The following is an entry in ClinVar:

ClinVar aggregate classification (germline): Uncertain significance (1 of 4 stars; one submission).

Conditions:
Hereditary cancer-predisposing syndrome. Also called: Hereditary neoplastic syndrome; Neoplastic Syndromes, Hereditary; Tumor predisposition; Hereditary Cancer Syndrome. Identifiers: Orphanet 140162, MedGen C0027672, MeSH D009386, MONDO:0015356.

Submission:

Ambry Genetics
Classification: Uncertain significance for Hereditary cancer-predisposing syndrome. Last evaluated: 2026-06-16. Review status: criteria provided, single submitter. Criteria: Ambry Variant Classification Scheme 2023. Collection method: clinical testing. Allele origin: germline.
Comment: The p.G83S variant (also known as c.247G>A), located in coding exon 2 of the FH gene, results from a G to A substitution at nucleotide position 247. The glycine at codon 83 is replaced by serine, an amino acid with similar properties. This amino acid position is highly conserved in available vertebrate species. In addition, this alteration is predicted to be deleterious by in silico analysis. Based on the available evidence, the clinical significance of this variant remains unclear.

NM_000143.4(FH):c.247G>A (p.Gly83Ser)

Gene: FH (fumarate hydratase; minus strand). Cytogenetic location: 1q43.
Variant type: single nucleotide variant.
Coding change: c.247G>A on transcript NM_000143.4 (MANE Select); coding-DNA position 247, G replaced by A.
Protein change: p.Gly83Ser; replaces glycine 83 with serine.
Molecular consequence: missense variant.
Genome position (GRCh38, 1-based): chr1:241,517,202, C>T on the plus strand (G>A on the coding strand, the complement: FH is on the minus strand). VCF-style: chr1-241517202-C-T. GRCh37 (hg19) VCF-style: chr1-241680502-C-T.
Other names: short protein forms G83S.
Identifiers: ClinVar variation 3515095 (VCV003515095.2).
Genomic context (GRCh38, chr1:241,517,202, plus strand): 5'-TTCATCCAAAATAGCCAACATTTCCACAAATGCCACTTACTGGCATGCGTTCTGTCACAC[C>T]TCCAATCTTAAAGTTCATCGTAGATCTCACGGTCTGGGCGCCATAATACTTATCATTTGG-3'
Protein context (NP_000134.2, residues 73-93): VRSTMNFKIG[Gly83Ser]VTERMPTPVI